The following is an entry in ClinVar:

ClinVar aggregate classification (germline): Benign. Review status: criteria provided, multiple submitters, no conflicts (2 of 4 stars). 2 submissions from 2 submitters: Benign (2). Last evaluated 2022-05-01.

Allele frequency attached by ClinVar (database versions not stated): 1000 Genomes Project 0.00120; 1000 Genomes Project 30x 0.00141; gnomAD 0.00242 and 0.00246; TOPMed 0.00248.
gnomAD v4.1: 4,052 of 1,587,974 alleles (0.26%); highest among the groups gnomAD compares: African/African-American, 0.36%; 6 homozygotes.

Submissions (2):

CeGaT Center for Human Genetics Tuebingen
Classification: Benign. Last evaluated: 2022-05-01. Review status: criteria provided, single submitter. Criteria: CeGaT Center For Human Genetics Tuebingen Variant Classification Criteria Version 2. Collection method: clinical testing. Allele origin: germline. Affected: yes. Observed: 3 variant alleles.
Comment: TNFRSF1A: BS1, BS2

GeneDx
Classification: Benign. Last evaluated: 2015-03-03. Review status: criteria provided, single submitter. Criteria: GeneDx Variant Classification Process June 2021. Collection method: clinical testing. Allele origin: germline. Affected: yes.

NM_001065.4(TNFRSF1A):c.472+64C>T

Gene: TNFRSF1A (TNF receptor superfamily member 1A; minus strand). Cytogenetic location: 12p13.31.
Variant type: single nucleotide variant.
Coding change: c.472+64C>T on transcript NM_001065.4 (MANE Select); 64 bases into the intron after coding-DNA position 472, C replaced by T.
Molecular consequence: intron variant.
Genome position (GRCh38, 1-based): chr12:6,333,303, G>A on the plus strand (C>T on the coding strand, the complement: TNFRSF1A is on the minus strand). VCF-style: chr12-6333303-G-A. GRCh37 (hg19) VCF-style: chr12-6442469-G-A.
Other names: c.148+64C>T (NM_001346091.2); c.-106+64C>T (NM_001346092.2).
Identifiers: ClinVar variation 1231221 (VCV001231221.34), dbSNP rs4149585, ClinGen allele CA6405532.